The following is an entry in ClinVar:

NM_024589.3(ROGDI):c.470G>A (p.Arg157Gln)

Gene: ROGDI (rogdi atypical leucine zipper; minus strand). Cytogenetic location: 16p13.3.
Variant type: single nucleotide variant.
Coding change: c.470G>A on transcript NM_024589.3 (MANE Select); coding-DNA position 470, G replaced by A.
Protein change: p.Arg157Gln; replaces arginine 157 with glutamine.
Molecular consequence: missense variant. On other transcripts: non-coding transcript variant (1).
Genome position (GRCh38, 1-based): chr16:4,798,630, C>T on the plus strand (G>A on the coding strand, the complement: ROGDI is on the minus strand). VCF-style: chr16-4798630-C-T. GRCh37 (hg19) VCF-style: chr16-4848631-C-T.
Other names: short protein forms R157Q.
Identifiers: ClinVar variation 854183 (VCV000854183.8), dbSNP rs780893164, ClinGen allele CA7882698.

ClinVar aggregate classification (germline): Uncertain significance. Review status: criteria provided, multiple submitters, no conflicts (2 of 4 stars). 2 submissions from 2 submitters: Uncertain significance (2). Last evaluated 2022-12-22.

Conditions:
Amelocerebrohypohidrotic syndrome (KTZS). Also called: EPILEPSY AND YELLOW TEETH; EPILEPSY, DEMENTIA, AND AMELOGENESIS IMPERFECTA; KOHLSCHUTTER SYNDROME; Kohlschutter's syndrome. Identifiers: Orphanet 1946, MedGen C0406740, MONDO:0009185, OMIM 226750.

Allele frequency attached by ClinVar (database versions not stated): gnomAD 0.00001; gnomAD exomes 0.00002 and 0.00003; TOPMed 0.00002; ExAC 0.00014.

Submissions (2):

Department of Pathology and Laboratory Medicine, Sinai Health System
Classification: Uncertain significance for Amelocerebrohypohidrotic syndrome. Last evaluated: 2022-12-22. Review status: criteria provided, single submitter. Criteria: ACMG Guidelines, 2015. Collection method: research. Allele origin: germline.

Labcorp Genetics (formerly Invitae), Labcorp
Classification: Uncertain significance for Amelocerebrohypohidrotic syndrome. Last evaluated: 2021-08-28. Review status: criteria provided, single submitter. Criteria: Invitae Variant Classification Sherloc (09022015). Collection method: clinical testing. Allele origin: germline.
Comment: This sequence change replaces arginine with glutamine at codon 157 of the ROGDI protein (p.Arg157Gln). The arginine residue is highly conserved and there is a small physicochemical difference between arginine and glutamine. This variant is present in population databases (rs780893164, ExAC 0.02%). This variant has not been reported in the literature in individuals affected with ROGDI-related conditions. Algorithms developed to predict the effect of missense changes on protein structure and function (SIFT, PolyPhen-2, Align-GVGD) all suggest that this variant is likely to be disruptive. In summary, the available evidence is currently insufficient to determine the role of this variant in disease. Therefore, it has been classified as a Variant of Uncertain Significance.